The following is an entry in ClinVar:

NM_007294.4(BRCA1):c.112A>T (p.Lys38Ter)

Gene: BRCA1 (BRCA1 DNA repair associated; minus strand). Cytogenetic location: 17q21.31.
Variant type: single nucleotide variant.
Coding change: c.112A>T on transcript NM_007294.4 (MANE Select); coding-DNA position 112, A replaced by T.
Protein change: p.Lys38Ter; replaces lysine 38 with a stop codon.
Molecular consequence: nonsense. On other transcripts: non-coding transcript variant (1), intron variant (1).
Genome position (GRCh38, 1-based): chr17:43,115,748, T>A on the plus strand (A>T on the coding strand, the complement: BRCA1 is on the minus strand). VCF-style: chr17-43115748-T-A. GRCh37 (hg19) VCF-style: chr17-41267765-T-A.
Other names: c.-77A>T (NM_001407571.1, NM_001407853.1, NM_001407879.1 and 52 more transcripts); c.112A>T, p.Lys38Ter (NM_001407581.1, NM_001407582.1, NM_001407583.1 and 192 more transcripts); c.-146A>T (NM_001407694.1, NM_001407696.1, NM_001407724.1 and 13 more transcripts); c.-150A>T (NM_001407695.1, NM_001408465.1); c.-30A>T (NM_001407697.1, NM_001407725.1, NM_001407728.1 and 47 more transcripts); c.-26A>T (NM_001407841.1); c.-193A>T (NM_001407889.1, NM_001407900.1, NM_001408492.1); c.-192A>T (NM_001407960.1, NM_001407962.1, NM_001408510.1 and 1 more transcripts); and 2 more; short protein forms K38*.
Identifiers: ClinVar variation 865130 (VCV000865130.3), dbSNP rs2055252323, ClinGen allele CA10601932.
Genomic context (GRCh38, chr17:43,115,748, plus strand): 5'-AAGCTAATAATGGAGCCACATAACACATTCAAACTTACTTGCAAAATATGTGGTCACACT[T>A]TGTGGAGACAGGTTCCTTGATCAACTCCAGACTAGCAGGGTAGGGGGGGAGAAAAAGAAA-3'

Conditions:
Breast-ovarian cancer, familial, susceptibility to, 1 (BROVCA1). Also called: BRCA1 Hereditary Breast and Ovarian Cancer; OVARIAN CANCER, SUSCEPTIBILITY TO. Identifiers: Orphanet 145, MedGen C2676676, MONDO:0011450, OMIM 604370. Disease mechanism: loss of function.

Submission:

Brotman Baty Institute, University of Washington
No classification provided (evidence only). Condition: Breast-ovarian cancer, familial 1. Review status: no classification provided. Collection method: in vitro. Allele origin: not applicable. Functional consequence: functionally_abnormal.
ClinVar note: "not provided" was previously submitted as the classification for the variant. However, the classification appeared to be based only on an observation of functional data so it was converted to no classification on 2025-07-30.